The following is an entry in ClinVar:

ClinVar aggregate classification (germline): Likely benign (1 of 4 stars; one submission).

Submission:

CeGaT Center for Human Genetics Tuebingen
Classification: Likely benign. Last evaluated: 2024-11-01. Review status: criteria provided, single submitter. Criteria: CeGaT Center For Human Genetics Tuebingen Variant Classification Criteria Version 2. Collection method: clinical testing. Allele origin: germline. Affected: yes. Observed: 2 variant alleles.
Comment: WDR81: PM2:Supporting, BP4, BP7

NM_001163809.2(WDR81):c.1227G>A (p.Gly409=)

Gene: WDR81 (WD repeat domain 81; plus strand). Cytogenetic location: 17p13.3.
Variant type: single nucleotide variant.
Coding change: c.1227G>A on transcript NM_001163809.2 (MANE Select); coding-DNA position 1227, G replaced by A.
Protein change: p.Gly409=; no amino-acid change (glycine 409 retained).
Molecular consequence: synonymous variant. On other transcripts: intron variant (3).
Genome position (GRCh38, 1-based): chr17:1,726,186, G>A. VCF-style: chr17-1726186-G-A. GRCh37 (hg19) VCF-style: chr17-1629480-G-A.
Other names: c.-123-1804G>A (NM_152348.4); c.59-4194G>A (NM_001163673.2); c.-15+1400G>A (NM_001163811.2).
Identifiers: ClinVar variation 3390178 (VCV003390178.14).